The following is an entry in ClinVar:

ClinVar aggregate classification (germline): Conflicting classifications of pathogenicity. Review status: criteria provided, conflicting classifications (1 of 4 stars). 2 submissions from 2 submitters: Uncertain significance (1); Likely benign (1). Last evaluated 2025-12-08.

Conditions:
Immunodeficiency 104. Also called: Severe combined immunodeficiency, autosomal recessive, T cell-negative, B cell-positive, NK cell-positive; IMMUNODEFICIENCY 104, SEVERE COMBINED; SCID, AUTOSOMAL RECESSIVE, T CELL-NEGATIVE, B CELL-POSITIVE, NK CELL-POSITIVE; Severe Combined Immune Deficiency, Autosomal Recessive, TCell -Negative, B Cell-Positive, NK Cell-Positive, IL7R-Related. Identifiers: MedGen C5676890, MONDO:0012163, OMIM 608971.

Allele frequency attached by ClinVar (database versions not stated): gnomAD 0.00003; gnomAD exomes 0.00004; ExAC 0.00009; TOPMed 0.00009.

Submissions (2):

Labcorp Genetics (formerly Invitae), Labcorp
Classification: Likely benign for Immunodeficiency 104. Last evaluated: 2025-12-08. Review status: criteria provided, single submitter. Criteria: Invitae Variant Classification Sherloc (09022015). Collection method: clinical testing. Allele origin: germline.

Women's Health and Genetics/Laboratory Corporation of America, LabCorp
Classification: Uncertain significance. Last evaluated: 2023-07-27. Review status: criteria provided, single submitter. Criteria: LabCorp Variant Classification Summary - May 2015. Collection method: clinical testing. Allele origin: germline.
Comment: Variant summary: IL7R c.536C>T (p.Thr179Met) results in a non-conservative amino acid change located in the Fibronectin type III (IPR003961) of the encoded protein sequence. Four of five in-silico tools predict a benign effect of the variant on protein function. The variant allele was found at a frequency of 0.00012 in 250742 control chromosomes. This frequency is not significantly higher than estimated for a pathogenic variant in IL7R causing Severe Combined Immunodeficiency (0.00012 vs 0.0011), allowing no conclusion about variant significance. c.536C>T has been reported in the literature as a bi-allelic compound heterozygous genotype with another variant of uncertain clinical significance in an individual affected with a clinical diagnosis of T-negative/B-plus IL7R-alpha Severe Combined Immunodeficiency (example, Chi-2018). These report(s) do not provide unequivocal conclusions about association of the variant with Severe Combined Immunodeficiency. To our knowledge, no experimental evidence demonstrating an impact on protein function has been reported. The following publication have been ascertained in the context of this evaluation (PMID: 30290665). One submitter has cited clinical-significance assessments for this variant to ClinVar after 2014 and has classified the variant as uncertain significance. Based on the evidence outlined above, the variant was classified as uncertain significance.

Literature cited by the submitters: PubMed 30290665 (cited by Women's Health and Genetics/Laboratory Corporation of America, LabCorp).

NM_002185.5(IL7R):c.536C>T (p.Thr179Met)

Gene: IL7R (interleukin 7 receptor; plus strand). Cytogenetic location: 5p13.2.
Variant type: single nucleotide variant.
Coding change: c.536C>T on transcript NM_002185.5 (MANE Select); coding-DNA position 536, C replaced by T.
Protein change: p.Thr179Met; replaces threonine 179 with methionine.
Molecular consequence: missense variant. On other transcripts: non-coding transcript variant (1).
Genome position (GRCh38, 1-based): chr5:35,871,212, C>T. VCF-style: chr5-35871212-C-T. GRCh37 (hg19) VCF-style: chr5-35871314-C-T.
Other names: c.536C>T, p.Thr179Met (NM_001410734.1); c.536C>T (NM_002185.3); short protein forms T179M.
Identifiers: ClinVar variation 2151997 (VCV002151997.3), dbSNP rs200751605, ClinGen allele CA3231998.